The following is an entry in ClinVar:

NM_003052.5(SLC34A1):c.1352C>T (p.Thr451Ile)

Gene: SLC34A1 (solute carrier family 34 member 1; plus strand). Cytogenetic location: 5q35.3.
Variant type: single nucleotide variant.
Coding change: c.1352C>T on transcript NM_003052.5 (MANE Select); coding-DNA position 1352, C replaced by T.
Protein change: p.Thr451Ile; replaces threonine 451 with isoleucine.
Molecular consequence: missense variant.
Genome position (GRCh38, 1-based): chr5:177,397,010, C>T. VCF-style: chr5-177397010-C-T. GRCh37 (hg19) VCF-style: chr5-176824011-C-T.
Other names: short protein forms T451I.
Identifiers: ClinVar variation 1407753 (VCV001407753.8), dbSNP rs369749329, ClinGen allele CA3580761.

ClinVar aggregate classification (germline): Uncertain significance. Review status: criteria provided, multiple submitters, no conflicts (2 of 4 stars). 2 submissions from 2 submitters: Uncertain significance (2). Last evaluated 2024-04-25.

Conditions:
Fanconi renotubular syndrome 2 (FRTS2). Identifiers: MedGen C3150652, MONDO:0013247, OMIM 613388.
Hypophosphatemic nephrolithiasis/osteoporosis 1. Identifiers: Orphanet 244305, MedGen C2676786, MONDO:0012850, OMIM 612286.
Hypercalcemia, infantile, 2 (HCINF2). Identifiers: Orphanet 300547, MedGen C4310473, MONDO:0014851, OMIM 616963.

Allele frequency attached by ClinVar (database versions not stated): gnomAD 0.00002; TOPMed 0.00002; gnomAD exomes 0.00004 and 0.00005; ExAC 0.00007; ESP Exome Variant Server 0.00008.
gnomAD v4.1: 63 of 1,614,022 alleles (0.0039%); highest among the groups gnomAD compares: Non-Finnish European, 0.0047%; no homozygotes.

Submissions (2):

Fulgent Genetics
Classification: Uncertain significance for Hypophosphatemic nephrolithiasis/osteoporosis 1; Fanconi renotubular syndrome 2; Hypercalcemia, infantile, 2. Last evaluated: 2024-04-25. Review status: criteria provided, single submitter. Criteria: ACMG Guidelines, 2015. Collection method: clinical testing. Allele origin: germline.

Labcorp Genetics (formerly Invitae), Labcorp
Classification: Uncertain significance. Last evaluated: 2021-05-18. Review status: criteria provided, single submitter. Criteria: Invitae Variant Classification Sherloc (09022015). Collection method: clinical testing. Allele origin: germline.
Comment: In summary, the available evidence is currently insufficient to determine the role of this variant in disease. Therefore, it has been classified as a Variant of Uncertain Significance. Algorithms developed to predict the effect of missense changes on protein structure and function (SIFT, PolyPhen-2, Align-GVGD) all suggest that this variant is likely to be disruptive, but these predictions have not been confirmed by published functional studies and their clinical significance is uncertain. This variant has not been reported in the literature in individuals with SLC34A1-related conditions. This variant is present in population databases (rs369749329, ExAC 0.01%). This sequence change replaces threonine with isoleucine at codon 451 of the SLC34A1 protein (p.Thr451Ile). The threonine residue is highly conserved and there is a moderate physicochemical difference between threonine and isoleucine.